The following is an entry in ClinVar:

ClinVar aggregate classification (germline): Uncertain significance (1 of 4 stars; one submission).

Allele frequency attached by ClinVar (database versions not stated): gnomAD 0.00001.

Submission:

Labcorp Genetics (formerly Invitae), Labcorp
Classification: Uncertain significance. Last evaluated: 2024-11-04. Review status: criteria provided, single submitter. Criteria: Invitae Variant Classification Sherloc (09022015). Collection method: clinical testing. Allele origin: germline.
Comment: This sequence change replaces glycine, which is neutral and non-polar, with glutamic acid, which is acidic and polar, at codon 5 of the GPR179 protein (p.Gly5Glu). This variant is present in population databases (no rsID available, gnomAD 0.01%). This variant has not been reported in the literature in individuals affected with GPR179-related conditions. ClinVar contains an entry for this variant (Variation ID: 1380226). An algorithm developed to predict the effect of missense changes on protein structure and function (PolyPhen-2) suggests that this variant is likely to be tolerated. In summary, the available evidence is currently insufficient to determine the role of this variant in disease. Therefore, it has been classified as a Variant of Uncertain Significance.

NM_001004334.4(GPR179):c.14G>A (p.Gly5Glu)

Gene: GPR179 (G protein-coupled receptor 179; minus strand). Cytogenetic location: 17q12.
Variant type: single nucleotide variant.
Coding change: c.14G>A on transcript NM_001004334.4 (MANE Select); coding-DNA position 14, G replaced by A.
Protein change: p.Gly5Glu; replaces glycine 5 with glutamic acid.
Molecular consequence: missense variant.
Genome position (GRCh38, 1-based): chr17:38,343,776, C>T on the plus strand (G>A on the coding strand, the complement: GPR179 is on the minus strand). VCF-style: chr17-38343776-C-T. GRCh37 (hg19) VCF-style: chr17-36499659-C-T.
Other names: short protein forms G5E.
Identifiers: ClinVar variation 1380226 (VCV001380226.6), dbSNP rs777502915, ClinGen allele CA290111991.